The following is an entry in ClinVar:

ClinVar aggregate classification (germline): Likely benign. Review status: criteria provided, multiple submitters, no conflicts (2 of 4 stars). 2 submissions from 2 submitters: Likely benign (2). Last evaluated 2026-05-12.

Conditions:
Neurofibromatosis, type 1 (NF1). Also called: VON RECKLINGHAUSEN DISEASE; Neurofibromatosis, type I; NEUROFIBROMATOSIS, TYPE I, SOMATIC; Peripheral type neurofibromatosis. Identifiers: Orphanet 636, MedGen C0027831, MONDO:0018975, OMIM 162200. Disease mechanism: loss of function.

Allele frequency attached by ClinVar (database versions not stated): gnomAD exomes below 0.00001; TOPMed below 0.00001.
gnomAD v4.1: 1 of 1,613,662 alleles (0.000062%); highest among the groups gnomAD compares: Non-Finnish European, 0.000085%; no homozygotes.

Submissions (2):

Myriad Genetics, Inc.
Classification: Likely benign for Neurofibromatosis, type 1. Last evaluated: 2026-05-12. Review status: criteria provided, single submitter. Criteria: Myriad Autosomal Dominant, Autosomal Recessive and X-Linked Classification Criteria (2023). Collection method: clinical testing. Allele origin: unknown.
Comment: This variant is considered likely benign. This variant is intronic and is not expected to impact mRNA splicing.

Labcorp Genetics (formerly Invitae), Labcorp
Classification: Likely benign for Neurofibromatosis, type 1. Last evaluated: 2023-11-23. Review status: criteria provided, single submitter. Criteria: Invitae Variant Classification Sherloc (09022015). Collection method: clinical testing. Allele origin: germline.

NM_001042492.3(NF1):c.3975-14T>C

Gene: NF1 (neurofibromin 1; plus strand). Cytogenetic location: 17q11.2.
Variant type: single nucleotide variant.
Coding change: c.3975-14T>C on transcript NM_001042492.3 (MANE Select); 14 bases into the intron before coding-DNA position 3975, T replaced by C.
Molecular consequence: intron variant.
Genome position (GRCh38, 1-based): chr17:31,248,970, T>C. VCF-style: chr17-31248970-T-C. GRCh37 (hg19) VCF-style: chr17-29575988-T-C.
Other names: c.3975-14T>C (NM_000267.4).
Identifiers: ClinVar variation 1584921 (VCV001584921.9), dbSNP rs1378636164, ClinGen allele CA728045181.
Genomic context (GRCh38, chr17:31,248,970, plus strand): 5'-GTCTCTTTTAAGGAGTGATTTTTGTTATTTGTTTTAAACAAAAGTGTTAGGATTTTATTT[T>C]TATTTTTTTGTAGGTTAGAACCATCAGAGAGCCTTGAGGAAAACCAGCGGAACCTCCTTC-3'